The following is an entry in ClinVar:

NM_020882.4(COL20A1):c.3568G>T (p.Glu1190Ter)

Gene: COL20A1 (collagen type XX alpha 1 chain; plus strand). Cytogenetic location: 20q13.33.
Variant type: single nucleotide variant.
Coding change: c.3568G>T on transcript NM_020882.4 (MANE Select); coding-DNA position 3568, G replaced by T.
Protein change: p.Glu1190Ter; replaces glutamic acid 1190 with a stop codon.
Molecular consequence: nonsense.
Genome position (GRCh38, 1-based): chr20:63,328,082, G>T. VCF-style: chr20-63328082-G-T. GRCh37 (hg19) VCF-style: chr20-61959434-G-T.
Other names: short protein forms E1190*.
Identifiers: ClinVar variation 5002822 (VCV005002822.1).
Genomic context (GRCh38, chr20:63,328,082, plus strand): 5'-TCTCCTGGGAAGGCACCTGCCACACGGGTCCCAAAGCTGCACCACCTTCCCTTCCAGGGC[G>T]AGCCGCAGTCCCTTGCCACCCTCTACCAGCTTGTGAGCCAGGCCTGTGAGTCTGCCATTC-3'

ClinVar aggregate classification (germline): Uncertain significance (1 of 4 stars; one submission).

Submission:

OLLIN Analises Genomicas, OLLIN
Classification: Uncertain significance. Last evaluated: 2026-08-06. Review status: criteria provided, single submitter. Criteria: ACMG Guidelines 2015 PMID 25741868. Collection method: clinical testing. Allele origin: germline.
Comment: This nonsense variant, located in exon 33 (of 36), is absent from gnomAD and ClinVar and has not been identified in the literature. This variant introduces a premature stop codon, which is predicted to result in either a truncated protein or degradation of the mRNA via nonsense-mediated decay (NMD). According to the currently available evidence, this variant has been classified as uncertain significance (PM2_P).